The following is an entry in ClinVar:

NM_182643.3(DLC1):c.2621G>A (p.Ser874Asn)

Gene: DLC1 (DLC1 Rho GTPase activating protein; minus strand). Cytogenetic location: 8p22.
Variant type: single nucleotide variant.
Coding change: c.2621G>A on transcript NM_182643.3 (MANE Select); coding-DNA position 2621, G replaced by A.
Protein change: p.Ser874Asn; replaces serine 874 with asparagine.
Molecular consequence: missense variant.
Genome position (GRCh38, 1-based): chr8:13,099,716, C>T on the plus strand (G>A on the coding strand, the complement: DLC1 is on the minus strand). VCF-style: chr8-13099716-C-T. GRCh37 (hg19) VCF-style: chr8-12957225-C-T.
Other names: c.1412G>A, p.Ser471Asn (NM_001413129.1, NM_001316668.2); c.1403G>A, p.Ser468Asn (NM_001413130.1); c.1061G>A, p.Ser354Asn (NM_001413131.1, NM_001413137.1); c.1547G>A, p.Ser516Asn (NM_001413132.1); c.1088G>A, p.Ser363Asn (NM_001413133.1, NM_001413138.1, NM_001164271.2 and 6 more transcripts); c.1310G>A, p.Ser437Asn (NM_001413135.1, NM_001413136.1, NM_001413139.1 and 1 more transcripts); c.2621G>A (NM_182643.2); c.2621G>A, p.Ser874Asn (NM_001348081.2, NM_001413124.1); and 1 more; short protein forms S482N, S437N, S354N, S468N, S471N, S516N, S874N, S363N.
Identifiers: ClinVar variation 2872906 (VCV002872906.4), dbSNP rs747125077, ClinGen allele CA4638577.

ClinVar aggregate classification (germline): Uncertain significance. Review status: criteria provided, multiple submitters, no conflicts (2 of 4 stars). 2 submissions from 2 submitters: Uncertain significance (2). Last evaluated 2025-08-31.

Allele frequency attached by ClinVar (database versions not stated): TOPMed 0.00001; ExAC 0.00001; gnomAD exomes 0.00001; gnomAD 0.00001.

Submissions (2):

Labcorp Genetics (formerly Invitae), Labcorp
Classification: Uncertain significance. Last evaluated: 2025-08-31. Review status: criteria provided, single submitter. Criteria: Invitae Variant Classification Sherloc (09022015). Collection method: clinical testing. Allele origin: germline.
Comment: This sequence change replaces serine, which is neutral and polar, with asparagine, which is neutral and polar, at codon 874 of the DLC1 protein (p.Ser874Asn). This variant is present in population databases (rs747125077, gnomAD 0.006%). This variant has not been reported in the literature in individuals affected with DLC1-related conditions. ClinVar contains an entry for this variant (Variation ID: 2872906). An algorithm developed to predict the effect of missense changes on protein structure and function (PolyPhen-2) suggests that this variant is likely to be disruptive. In summary, the available evidence is currently insufficient to determine the role of this variant in disease. Therefore, it has been classified as a Variant of Uncertain Significance.

Ambry Genetics
Classification: Uncertain significance. Last evaluated: 2025-03-07. Review status: criteria provided, single submitter. Criteria: Ambry Variant Classification Scheme 2023. Collection method: clinical testing. Allele origin: germline.